The following is an entry in ClinVar:

ClinVar aggregate classification (germline): Likely benign (1 of 4 stars; one submission).

Allele frequency attached by ClinVar (database versions not stated): gnomAD 0.00035.

Submission:

CeGaT Center for Human Genetics Tuebingen
Classification: Likely benign. Last evaluated: 2026-04-01. Review status: criteria provided, single submitter. Criteria: CeGaT Center For Human Genetics Tuebingen Variant Classification Criteria Version 2. Collection method: clinical testing. Allele origin: germline. Affected: yes. Observed: 7 variant alleles.
Comment: COX7B: BS2

NC_000023.11:g.77910289A>T

Gene: COX7B (cytochrome c oxidase subunit 7B; plus strand). Cytogenetic location: Xq21.1.
Variant type: single nucleotide variant.
Genome position: GRCh38 VCF-style: chrX-77910289-A-T. GRCh37 (hg19) VCF-style: chrX-77165786-A-T.
Identifiers: ClinVar variation 2660962 (VCV002660962.24), dbSNP rs1041188174, ClinGen allele CA331581443.